The following is an entry in ClinVar:

ClinVar aggregate classification (germline): Conflicting classifications of pathogenicity. Review status: criteria provided, conflicting classifications (1 of 4 stars). 4 submissions from 4 submitters: Uncertain significance (3); Likely benign (1). Last evaluated 2026-03-23.

Conditions:
Hereditary cancer-predisposing syndrome. Also called: Neoplastic Syndromes, Hereditary; Hereditary neoplastic syndrome; Hereditary Cancer Syndrome; Tumor predisposition. Identifiers: Orphanet 140162, MedGen C0027672, MeSH D009386, MONDO:0015356.
Basal cell carcinoma, susceptibility to, 1. Also called: BCC1. Identifiers: MedGen C2751544, MONDO:0011556, OMIM 605462.
Gorlin syndrome. Also called: Nevoid Basal Cell Carcinoma Syndrome; Basal cell nevus syndrome. Identifiers: Orphanet 377, MedGen C0004779, MONDO:0007187.

Submissions (4):

Ambry Genetics
Classification: Likely benign for Hereditary cancer-predisposing syndrome. Last evaluated: 2026-03-23. Review status: criteria provided, single submitter. Criteria: Ambry Variant Classification Scheme 2023. Collection method: clinical testing. Allele origin: germline.

Labcorp Genetics (formerly Invitae), Labcorp
Classification: Uncertain significance for Gorlin syndrome. Last evaluated: 2026-02-04. Review status: criteria provided, single submitter. Criteria: Invitae Variant Classification Sherloc (09022015). Collection method: clinical testing. Allele origin: germline.
Comment: This variant, c.1224_1226del, results in the deletion of 1 amino acid(s) of the PTCH1 protein (p.His408del), but otherwise preserves the integrity of the reading frame. This variant is present in population databases (no rsID available, gnomAD 0.0009%). This variant has not been reported in the literature in individuals affected with PTCH1-related conditions. ClinVar contains an entry for this variant (Variation ID: 818635). Experimental studies and prediction algorithms are not available or were not evaluated, and the functional significance of this variant is currently unknown. In summary, the available evidence is currently insufficient to determine the role of this variant in disease. Therefore, it has been classified as a Variant of Uncertain Significance.

Baylor Genetics
Classification: Uncertain significance for Basal cell carcinoma, susceptibility to, 1. Last evaluated: 2023-05-30. Review status: criteria provided, single submitter. Criteria: ACMG Guidelines, 2015. Collection method: clinical testing. Allele origin: unknown.

GeneDx
Classification: Uncertain significance. Last evaluated: 2022-01-28. Review status: criteria provided, single submitter. Criteria: GeneDx Variant Classification Process June 2021. Collection method: clinical testing. Allele origin: germline. Affected: yes.
Comment: Not observed at significant frequency in large population cohorts (gnomAD); In-frame deletion of 1 amino acid in a non-repeat region; In silico analysis supports a deleterious effect on protein structure/function; Has not been previously published as pathogenic or benign to our knowledge; This variant is associated with the following publications: (PMID: 8906794)

NM_000264.5(PTCH1):c.1221TCA[1] (p.His408del)

Gene: PTCH1 (patched 1; minus strand). Cytogenetic location: 9q22.32.
Variant type: Microsatellite.
Coding change: c.1221TCA[1] on transcript NM_000264.5 (MANE Select); one copy of the 3-base unit TCA starting at c.1221; the reference has two copies in a row; one copy, 3 bases deleted; also written c.1224_1226del.
Protein change: p.His408del; deletes histidine 408.
Molecular consequence: inframe deletion. On other transcripts: non-coding transcript variant (1).
Genome position (GRCh38, 1-based): chr9:95,478,176-95,478,178, TGA deleted on the plus strand (TCA on the coding strand, the reverse complement: PTCH1 is on the minus strand); deleting any 3 consecutive bases within chr9:95,478,176-95,478,181 gives the same sequence; the position shown is the placement nearest the transcript's 3' end. VCF-style (leftmost placement, unchanged base first): chr9-95478175-CTGA-C. GRCh37 (hg19) VCF-style: chr9-98240457-CTGA-C.
Other names: c.1224_1226del (NM_000264.3, NM_000264.5); c.1023TCA[1], p.His342del (NM_001083602.3); c.1218TCA[1], p.His407del (NM_001083603.3); c.768TCA[1], p.His257del (NM_001083604.3, NM_001083605.3, NM_001083606.3 and 1 more transcripts); c.1221TCA[1], p.His408del (NM_001354918.2); short protein forms H407del, H342del, H408del, H257del.
Identifiers: ClinVar variation 818635 (VCV000818635.22), dbSNP rs1489690325, ClinGen allele CA466121544.
Genomic context (GRCh38, chr9:95,478,175, plus strand): 5'-GTCGTCCAGGGTCGTGGTGGTGAAGGAAAGCACCTTTTGAGTGGAGTTCTGTGCGACACT[CTGA>C]TGAACCACCTGTGGTCACAACAGAATGCGAAATGCCCAAATGCAATGAACACTTCCACAA-3'